The following is an entry in ClinVar:

NM_002661.5(PLCG2):c.2640G>T (p.Gln880His)

Gene: PLCG2 (phospholipase C gamma 2; plus strand). Cytogenetic location: 16q23.3.
Variant type: single nucleotide variant.
Coding change: c.2640G>T on transcript NM_002661.5 (MANE Select); coding-DNA position 2640, G replaced by T.
Protein change: p.Gln880His; replaces glutamine 880 with histidine.
Molecular consequence: missense variant.
Genome position (GRCh38, 1-based): chr16:81,931,555, G>T. VCF-style: chr16-81931555-G-T. GRCh37 (hg19) VCF-style: chr16-81965160-G-T.
Other names: c.2640G>T, p.Gln880His (NM_001425749.1, NM_001425750.1, NM_001425751.1); short protein forms Q880H.
Identifiers: ClinVar variation 3022063 (VCV003022063.3), dbSNP rs547100313, ClinGen allele CA8194382.

ClinVar aggregate classification (germline): Uncertain significance (1 of 4 stars; one submission).

Conditions:
Familial cold autoinflammatory syndrome 3 (FCAS3). Also called: FAMILIAL ATYPICAL COLD URTICARIA; ANTIBODY DEFICIENCY AND IMMUNE DYSREGULATION, PLCG2-ASSOCIATED. Identifiers: Orphanet 300359, MedGen C3280914, MONDO:0013766, OMIM 614468.

Allele frequency attached by ClinVar (database versions not stated): gnomAD exomes below 0.00001; ExAC 0.00001; gnomAD 0.00001; 1000 Genomes Project 0.00020; 1000 Genomes Project 30x 0.00031.
gnomAD v4.1: 3 of 1,614,010 alleles (0.00019%); highest among the groups gnomAD compares: Admixed American, 0.0033%; no homozygotes.

Submission:

Labcorp Genetics (formerly Invitae), Labcorp
Classification: Uncertain significance for Familial cold autoinflammatory syndrome 3. Last evaluated: 2024-12-04. Review status: criteria provided, single submitter. Criteria: Invitae Variant Classification Sherloc (09022015). Collection method: clinical testing. Allele origin: germline.
Comment: This sequence change replaces glutamine, which is neutral and polar, with histidine, which is basic and polar, at codon 880 of the PLCG2 protein (p.Gln880His). The frequency data for this variant in the population databases is considered unreliable, as metrics indicate poor data quality at this position in the gnomAD database. This variant has not been reported in the literature in individuals affected with PLCG2-related conditions. ClinVar contains an entry for this variant (Variation ID: 3022063). An algorithm developed to predict the effect of missense changes on protein structure and function (PolyPhen-2) suggests that this variant is likely to be tolerated. In summary, the available evidence is currently insufficient to determine the role of this variant in disease. Therefore, it has been classified as a Variant of Uncertain Significance.